The following is an entry in ClinVar:

NM_017849.4(TMEM127):c.314T>C (p.Leu105Pro)

Gene: TMEM127 (transmembrane protein 127; minus strand). Cytogenetic location: 2q11.2.
Variant type: single nucleotide variant.
Coding change: c.314T>C on transcript NM_017849.4 (MANE Select); coding-DNA position 314, T replaced by C.
Protein change: p.Leu105Pro; replaces leucine 105 with proline.
Molecular consequence: missense variant.
Genome position (GRCh38, 1-based): chr2:96,254,928, A>G on the plus strand (T>C on the coding strand, the complement: TMEM127 is on the minus strand). VCF-style: chr2-96254928-A-G. GRCh37 (hg19) VCF-style: chr2-96920666-A-G.
Other names: c.314T>C, p.Leu105Pro (NM_001193304.3); short protein forms L105P.
Identifiers: ClinVar variation 656737 (VCV000656737.13), dbSNP rs766918841, ClinGen allele CA1777352.

ClinVar aggregate classification (germline): Uncertain significance. Review status: criteria provided, multiple submitters, no conflicts (2 of 4 stars). 3 submissions from 3 submitters: Uncertain significance (3). Last evaluated 2025-10-15.

Conditions:
Pheochromocytoma. Also called: MAX-Related Hereditary Paraganglioma-Pheochromocytoma Syndrome. Identifiers: Orphanet 29072, MedGen C0031511, MONDO:0008233, OMIM 171300, HP:0002666.
Hereditary cancer-predisposing syndrome. Also called: Tumor predisposition; Hereditary Cancer Syndrome; Hereditary neoplastic syndrome; Neoplastic Syndromes, Hereditary. Identifiers: Orphanet 140162, MedGen C0027672, MeSH D009386, MONDO:0015356.
Hereditary pheochromocytoma and paraganglioma. Also called: Hereditary paragangliomas and pheochromocytomas; Hereditary pheochromocytoma-paraganglioma; Hereditary Paraganglioma-Pheochromocytoma Syndromes. Identifiers: Orphanet 29072, MedGen C4274332, MONDO:0017366.

Allele frequency attached by ClinVar (database versions not stated): gnomAD 0.00001; gnomAD exomes 0.00001; ExAC 0.00002.
gnomAD v4.1: 13 of 1,614,120 alleles (0.00081%); highest among the groups gnomAD compares: South Asian, 0.0011%; no homozygotes.

Submissions (3):

Labcorp Genetics (formerly Invitae), Labcorp
Classification: Uncertain significance for Hereditary pheochromocytoma and paraganglioma. Last evaluated: 2025-10-15. Review status: criteria provided, single submitter. Criteria: Invitae Variant Classification Sherloc (09022015). Collection method: clinical testing. Allele origin: germline.
Comment: This sequence change replaces leucine, which is neutral and non-polar, with proline, which is neutral and non-polar, at codon 105 of the TMEM127 protein (p.Leu105Pro). This variant is present in population databases (rs766918841, gnomAD 0.002%). This missense change has been observed in individual(s) with pheochromocytomas (PMID: 32575117). ClinVar contains an entry for this variant (Variation ID: 656737). An algorithm developed to predict the effect of missense changes on protein structure and function (PolyPhen-2) suggests that this variant is likely to be tolerated. In summary, the available evidence is currently insufficient to determine the role of this variant in disease. Therefore, it has been classified as a Variant of Uncertain Significance.

Ambry Genetics
Classification: Uncertain significance for Hereditary cancer-predisposing syndrome. Last evaluated: 2024-12-17. Review status: criteria provided, single submitter. Criteria: Ambry Variant Classification Scheme 2023. Collection method: clinical testing. Allele origin: germline.
Comment: The p.L105P variant (also known as c.314T>C), located in coding exon 2 of the TMEM127 gene, results from a T to C substitution at nucleotide position 314. The leucine at codon 105 is replaced by proline, an amino acid with similar properties. This alteration has been identified in a patient diagnosed with pheochromocytoma (Flores SK et al. J Clin Endocrinol Metab, 2020 09;105:). This amino acid position is well conserved in available vertebrate species. In addition, this alteration is predicted to be deleterious by in silico analysis. Since supporting evidence is limited at this time, the clinical significance of this alteration remains unclear.

Baylor Genetics
Classification: Uncertain significance for Pheochromocytoma. Last evaluated: 2024-02-11. Review status: criteria provided, single submitter. Criteria: ACMG Guidelines, 2015. Collection method: clinical testing. Allele origin: unknown.

Literature cited by the submitters: PubMed 32575117 (cited by Labcorp Genetics (formerly Invitae), Labcorp and Ambry Genetics).